The following is an entry in ClinVar:

NM_001374385.1(ATP8B1):c.2932-3C>A

Genes: ATP8B1 (ATPase phospholipid transporting 8B1; minus strand), ATP8B1-AS1 (ATP8B1 antisense RNA 1; plus strand). Cytogenetic location: 18q21.31.
Variant type: single nucleotide variant.
Coding change: c.2932-3C>A on transcript NM_001374385.1 (MANE Select); 3 bases into the intron before coding-DNA position 2932, C replaced by A.
Molecular consequence: intron variant.
Genome position (GRCh38, 1-based): chr18:57,654,078, G>T on the plus strand (C>A on the coding strand, the complement: ATP8B1 is on the minus strand). VCF-style: chr18-57654078-G-T. GRCh37 (hg19) VCF-style: chr18-55321310-G-T.
Other names: IVS23AS, C-A, -3; c.2932-3C>A (NM_005603.6); c.2782-3C>A (NM_001374386.1).
Identifiers: ClinVar variation 7270 (VCV000007270.2), dbSNP rs1057523495, ClinGen allele CA913187375.

ClinVar aggregate classification (germline): Pathogenic. Review status: criteria provided, single submitter (1 of 4 stars). 2 submissions from 2 submitters: Pathogenic (1). 1 of the submissions does not count toward it. Last evaluated 2026-04-14.

Conditions:
Familial intrahepatic cholestasis. Identifiers: Orphanet 284385, MedGen CN296401, MONDO:0017290.
Benign recurrent intrahepatic cholestasis type 1. Also called: SUMMERSKILL SYNDROME; Mild-to-Moderate ATP8B1 Deficiency (Benign Recurrent Intrahepatic Cholestasis 1 [BRIC1]). Identifiers: Orphanet 65682, Orphanet 99960, MedGen C4551899, MONDO:0009469, OMIM 243300.

Allele frequency attached by ClinVar (database versions not stated): gnomAD 0.00001.
gnomAD v4.1: 1 of 1,612,240 alleles (0.000062%); highest among the groups gnomAD compares: Non-Finnish European, 0.000085%; no homozygotes.

Submissions (2):

Genomenon, Inc
Classification: Pathogenic for Familial intrahepatic cholestasis. Last evaluated: 2026-04-14. Review status: criteria provided, single submitter. Criteria: Genomenon Sequence Variant Interpretation Standards - Updated. Collection method: curation. Allele origin: germline. Affected: yes.
Comment: ATP8B1 c.2932-3C>A is an intronic variant located in the acceptor splice region of intron 23. This variant has been observed in at least one proband with features of ATP8B1-deficiency (PMID:15239083). The variant was found to segregate with disease in at least one affected family (PMID:15239083). At least one splicing study demonstrated this variant results in aberrant splicing (PMID:15239083;25421123). It is absent or not present at a significant frequency in gnomAD. In conclusion, we classify ATP8B1 c.2932-3C>A as a pathogenic variant.

OMIM
Classification: Pathogenic for CHOLESTASIS, BENIGN RECURRENT INTRAHEPATIC, 1. Last evaluated: 2004-07-01. Review status: no assertion criteria provided. Collection method: literature only. Allele origin: germline. Not counted in ClinVar's aggregate classification.

Literature cited by the submitters: PubMed 15239083 (cited by Genomenon, Inc and OMIM); PubMed 25421123 (cited by Genomenon, Inc); PubMed 7894490 (cited by OMIM).